The following is an entry in ClinVar:

NM_006922.4(SCN3A):c.1640C>G (p.Thr547Ser)

Gene: SCN3A (sodium voltage-gated channel alpha subunit 3; minus strand). Cytogenetic location: 2q24.3.
Variant type: single nucleotide variant.
Coding change: c.1640C>G on transcript NM_006922.4 (MANE Select); coding-DNA position 1640, C replaced by G.
Protein change: p.Thr547Ser; replaces threonine 547 with serine.
Molecular consequence: missense variant.
Genome position (GRCh38, 1-based): chr2:165,146,770, G>C on the plus strand (C>G on the coding strand, the complement: SCN3A is on the minus strand). VCF-style: chr2-165146770-G-C. GRCh37 (hg19) VCF-style: chr2-166003280-G-C.
Other names: c.1640C>G, p.Thr547Ser (NM_001081676.2, NM_001081677.2); short protein forms T547S.
Identifiers: ClinVar variation 643086 (VCV000643086.6), dbSNP rs1347435394, ClinGen allele CA349236303.
Genomic context (GRCh38, chr2:165,146,770, plus strand): 5'-AAACCAGAGCACTTAGTAGAAAATCATACCTGATGAGGGGAGCAGAATTTTTTGTCACTG[G>C]TCAGTCTGTTTCCATCCATGGAGAAAAGGAAGCTGCTTCTTTTGACGCTGTCTTCAGATT-3'
Protein context (NP_008853.3, residues 537-557): FLFSMDGNRL[Thr547Ser]SDKKFCSPHQ

ClinVar aggregate classification (germline): Uncertain significance (1 of 4 stars; one submission).

Allele frequency attached by ClinVar (database versions not stated): gnomAD exomes below 0.00001.
gnomAD v4.1: 1 of 1,613,964 alleles (0.000062%); highest among the groups gnomAD compares: Admixed American, 0.0017%; no homozygotes.

Submission:

Labcorp Genetics (formerly Invitae), Labcorp
Classification: Uncertain significance. Last evaluated: 2021-08-26. Review status: criteria provided, single submitter. Criteria: Invitae Variant Classification Sherloc (09022015). Collection method: clinical testing. Allele origin: germline.
Comment: This sequence change replaces threonine with serine at codon 547 of the SCN3A protein (p.Thr547Ser). The threonine residue is moderately conserved and there is a small physicochemical difference between threonine and serine. This variant is not present in population databases (ExAC no frequency). This variant has not been reported in the literature in individuals affected with SCN3A-related conditions. Algorithms developed to predict the effect of missense changes on protein structure and function output the following: SIFT: "Tolerated"; PolyPhen-2: "Benign"; Align-GVGD: "Class C0". The serine amino acid residue is found in multiple mammalian species, which suggests that this missense change does not adversely affect protein function. In summary, the available evidence is currently insufficient to determine the role of this variant in disease. Therefore, it has been classified as a Variant of Uncertain Significance.